The following is an entry in ClinVar:

NM_015214.3(DDHD2):c.1461+5C>G

Gene: DDHD2 (DDHD domain containing 2; plus strand). Cytogenetic location: 8p11.23.
Variant type: single nucleotide variant.
Coding change: c.1461+5C>G on transcript NM_015214.3 (MANE Select); 5 bases into the intron after coding-DNA position 1461, C replaced by G.
Molecular consequence: intron variant.
Genome position (GRCh38, 1-based): chr8:38,252,033, C>G. VCF-style: chr8-38252033-C-G. GRCh37 (hg19) VCF-style: chr8-38109551-C-G.
Other names: c.1461+5C>G (NM_001362914.2, NM_001362912.2, NM_001362911.2 and 1 more transcripts); c.1371+5C>G (NM_001362913.2).
Identifiers: ClinVar variation 1524639 (VCV001524639.3), dbSNP rs375678849, ClinGen allele CA4716264.

ClinVar aggregate classification (germline): Uncertain significance (1 of 4 stars; one submission).

Conditions:
Hereditary spastic paraplegia 54. Also called: Spastic paraplegia 54, autosomal recessive. Identifiers: Orphanet 320380, MedGen C3539495, MONDO:0014018, OMIM 615033.

Allele frequency attached by ClinVar (database versions not stated): gnomAD 0.00001 and 0.00002; TOPMed 0.00003; gnomAD exomes 0.00004 and 0.00005; ExAC 0.00006; ESP Exome Variant Server 0.00015.
gnomAD v4.1: 84 of 1,612,790 alleles (0.0052%); highest among the groups gnomAD compares: Non-Finnish European, 0.0062%; no homozygotes.

Submission:

Labcorp Genetics (formerly Invitae), Labcorp
Classification: Uncertain significance for Hereditary spastic paraplegia 54. Last evaluated: 2022-03-18. Review status: criteria provided, single submitter. Criteria: Invitae Variant Classification Sherloc (09022015). Collection method: clinical testing. Allele origin: germline.
Comment: This sequence change falls in intron 12 of the DDHD2 gene. It does not directly change the encoded amino acid sequence of the DDHD2 protein. It affects a nucleotide within the consensus splice site. This variant is present in population databases (rs375678849, gnomAD 0.007%). This variant has not been reported in the literature in individuals affected with DDHD2-related conditions. Variants that disrupt the consensus splice site are a relatively common cause of aberrant splicing (PMID: 17576681, 9536098). Algorithms developed to predict the effect of sequence changes on RNA splicing suggest that this variant is not likely to affect RNA splicing. In summary, the available evidence is currently insufficient to determine the role of this variant in disease. Therefore, it has been classified as a Variant of Uncertain Significance.

Literature cited by the submitters: PubMed 17576681; PubMed 9536098.